The following is an entry in ClinVar:

NM_207122.2(EXT2):c.743+1G>A

Gene: EXT2 (exostosin glycosyltransferase 2; plus strand). Cytogenetic location: 11p11.2.
Variant type: single nucleotide variant.
Coding change: c.743+1G>A on transcript NM_207122.2 (MANE Select); the canonical splice donor site of the intron after coding-DNA position 743, G replaced by A.
Molecular consequence: splice donor variant.
Genome position (GRCh38, 1-based): chr11:44,114,302, G>A. VCF-style: chr11-44114302-G-A. GRCh37 (hg19) VCF-style: chr11-44135852-G-A.
Other names: c.743+1G>A (NM_001389630.1, NM_001178083.3, NM_001389628.1); c.842+1G>A (NM_000401.3).
Identifiers: ClinVar variation 265474 (VCV000265474.11), dbSNP rs886039567, ClinGen allele CA10588522.

ClinVar aggregate classification (germline): Pathogenic. Review status: criteria provided, multiple submitters, no conflicts (2 of 4 stars). 3 submissions from 3 submitters: Pathogenic (3). Last evaluated 2026-01-01.

Conditions:
EXT2-related disorder. Also called: EXT2-related condition.
Exostoses, multiple, type 2 (EXT2). Also called: EXOSTOSES, MULTIPLE, TYPE II; Hereditary Multiple Osteochondromatosis, Type II. Identifiers: Orphanet 321, MedGen C1851413, MONDO:0007586, OMIM 133701.

Submissions (3):

PreventionGenetics, part of Exact Sciences
Classification: Pathogenic for EXT2-related condition. Last evaluated: 2026-01-01. Review status: criteria provided, single submitter. Criteria: ACMG Guidelines, 2015. Collection method: clinical testing. Allele origin: germline.
Comment: The EXT2 c.743+1G>A variant is predicted to disrupt the GT donor site and interfere with normal splicing. This variant has been reported in individuals with multiple exostoses and segregated with disease in a large family (Vink et al. 2005. PubMed ID: 15586175; Tian et al. 2014. PubMed ID: 24728384). Functional studies have shown this variant disrupts mRNA splicing and results in decreased protein level (Tian et al. 2014. PubMed ID: 24728384). This variant has not been reported in a large population database (gnomAD), indicating this variant is rare. Variants that disrupt the consensus splice donor site in EXT2 are expected to be pathogenic. This variant is interpreted as pathogenic.

Labcorp Genetics (formerly Invitae), Labcorp
Classification: Pathogenic for Exostoses, multiple, type 2. Last evaluated: 2025-02-06. Review status: criteria provided, single submitter. Criteria: Invitae Variant Classification Sherloc (09022015). Collection method: clinical testing. Allele origin: germline.
Comment: This sequence change affects a donor splice site in intron 4 of the EXT2 gene. It is expected to disrupt RNA splicing. Variants that disrupt the donor or acceptor splice site typically lead to a loss of protein function (PMID: 16199547), and loss-of-function variants in EXT2 are known to be pathogenic (PMID: 10679937, 19810120). This variant is not present in population databases (gnomAD no frequency). Disruption of this splice site has been observed in individual(s) with hereditary multiple exostoses (PMID: 15586175, 24728384). It has also been observed to segregate with disease in related individuals. ClinVar contains an entry for this variant (Variation ID: 265474). Algorithms developed to predict the effect of sequence changes on RNA splicing suggest that this variant may disrupt the consensus splice site. For these reasons, this variant has been classified as Pathogenic.

GeneDx
Classification: Pathogenic. Last evaluated: 2016-03-09. Review status: criteria provided, single submitter. Criteria: GeneDx Variant Classification (06012015). Collection method: clinical testing. Allele origin: germline. Affected: yes.
Comment: The c.743+1 G>A splice site variant in the EXT2 gene has been previously reported in association with hereditary multiple exostoses (Vink et al., 2005; Tian et al., 2014), and is consistent with the diagnosis in this patient. The variant was not observed in approximately 6,500 individuals of European and African American ancestry in the NHLBI Exome Sequencing Project, indicating it is not a common benign variant in these populations. Functional studies by Tian C. et al. have shown that c.743+1 G>A destroys the canonical splice donor site in intron 4 and causes abnormal gene splicing. Patients in this study also displayed significantly lowered EXT2 mRNA and protein levels compared to controls (Tian et al., 2014).

Literature cited by the submitters: PubMed 16199547 (cited by Labcorp Genetics (formerly Invitae), Labcorp); PubMed 10679937 (cited by Labcorp Genetics (formerly Invitae), Labcorp); PubMed 19810120 (cited by Labcorp Genetics (formerly Invitae), Labcorp); PubMed 15586175 (cited by Labcorp Genetics (formerly Invitae), Labcorp); PubMed 24728384 (cited by Labcorp Genetics (formerly Invitae), Labcorp).